The following is an entry in ClinVar:

ClinVar aggregate classification (germline): Uncertain significance. Review status: criteria provided, multiple submitters, no conflicts (2 of 4 stars). 2 submissions from 2 submitters: Uncertain significance (2). Last evaluated 2026-07-01.

gnomAD v4.1: 100 of 1,613,708 alleles (0.0062%); highest among the groups gnomAD compares: Admixed American, 0.01%; no homozygotes.

Submissions (2):

CeGaT Center for Human Genetics Tuebingen
Classification: Uncertain significance. Last evaluated: 2026-07-01. Review status: criteria provided, single submitter. Criteria: CeGaT Center For Human Genetics Tuebingen Variant Classification Criteria Version 2. Collection method: clinical testing. Allele origin: germline. Affected: yes. Observed: 1 variant allele.
Comment: FAT2: PP2, BP4

Ambry Genetics
Classification: Uncertain significance. Last evaluated: 2025-03-27. Review status: criteria provided, single submitter. Criteria: Ambry Variant Classification Scheme 2023. Collection method: clinical testing. Allele origin: germline.

NM_001447.3(FAT2):c.9754G>A (p.Gly3252Ser)

Genes: FAT2 (FAT atypical cadherin 2; minus strand), SLC36A1 (solute carrier family 36 member 1; plus strand). Cytogenetic location: 5q33.1.
Variant type: single nucleotide variant.
Coding change: c.9754G>A on transcript NM_001447.3 (MANE Select); coding-DNA position 9754, G replaced by A.
Protein change: p.Gly3252Ser; replaces glycine 3252 with serine.
Molecular consequence: missense variant.
Genome position (GRCh38, 1-based): chr5:151,531,644, C>T on the plus strand (G>A on the coding strand, the complement: FAT2 is on the minus strand). VCF-style: chr5-151531644-C-T. GRCh37 (hg19) VCF-style: chr5-150911205-C-T.
Other names: short protein forms G3252S.
Identifiers: ClinVar variation 4023143 (VCV004023143.5).